The following is an entry in ClinVar:

ClinVar aggregate classification (germline): Uncertain significance (1 of 4 stars; one submission).

Conditions:
Hereditary spastic paraplegia 11. Also called: Nakamura Osame syndrome; Autosomal recessive hereditary spastic paraplegia, mental impairment, and thin corpus callosum; SPASTIC PARAPLEGIA, AUTOSOMAL RECESSIVE, COMPLICATED, WITH THIN CORPUS CALLOSUM; SPASTIC PARAPLEGIA, AUTOSOMAL RECESSIVE, WITH MENTAL IMPAIRMENT AND THIN CORPUS CALLOSUM; Spastic Paraplegia 11; Spastic paraplegia, mental retardation and thin corpus callosum. Identifiers: Orphanet 2822, MedGen C1858479, MONDO:0011445, OMIM 604360.

Allele frequency attached by ClinVar (database versions not stated): gnomAD exomes below 0.00001; TOPMed below 0.00001; ExAC 0.00001.
gnomAD v4.1: 3 of 1,612,460 alleles (0.00019%); highest among the groups gnomAD compares: Non-Finnish European, 0.00025%; no homozygotes.

Submission:

Labcorp Genetics (formerly Invitae), Labcorp
Classification: Uncertain significance for Hereditary spastic paraplegia 11. Last evaluated: 2022-05-27. Review status: criteria provided, single submitter. Criteria: Invitae Variant Classification Sherloc (09022015). Collection method: clinical testing. Allele origin: germline.
Comment: This sequence change falls in intron 2 of the SPG11 gene. It does not directly change the encoded amino acid sequence of the SPG11 protein. It affects a nucleotide within the consensus splice site. This variant is not present in population databases (gnomAD no frequency). This variant has not been reported in the literature in individuals affected with SPG11-related conditions. ClinVar contains an entry for this variant (Variation ID: 639946). Variants that disrupt the consensus splice site are a relatively common cause of aberrant splicing (PMID: 17576681, 9536098). Algorithms developed to predict the effect of sequence changes on RNA splicing suggest that this variant may disrupt the consensus splice site. In summary, the available evidence is currently insufficient to determine the role of this variant in disease. Therefore, it has been classified as a Variant of Uncertain Significance.

Literature cited by the submitters: PubMed 17576681; PubMed 9536098.

NM_025137.4(SPG11):c.442+5G>A

Gene: SPG11 (SPG11 vesicle trafficking associated, spatacsin; minus strand). Cytogenetic location: 15q21.1.
Variant type: single nucleotide variant.
Coding change: c.442+5G>A on transcript NM_025137.4 (MANE Select); 5 bases into the intron after coding-DNA position 442, G replaced by A.
Molecular consequence: intron variant.
Genome position (GRCh38, 1-based): chr15:44,660,427, C>T on the plus strand (G>A on the coding strand, the complement: SPG11 is on the minus strand). VCF-style: chr15-44660427-C-T. GRCh37 (hg19) VCF-style: chr15-44952625-C-T.
Other names: c.442+5G>A (NM_001160227.2).
Identifiers: ClinVar variation 639946 (VCV000639946.4), dbSNP rs752482400, ClinGen allele CA7535838.